The following is an entry in ClinVar:

NM_003482.4(KMT2D):c.14859_14861del (p.Ser4955del)

Gene: KMT2D (lysine methyltransferase 2D; minus strand). Cytogenetic location: 12q13.12.
Variant type: Deletion.
Coding change: c.14859_14861del on transcript NM_003482.4 (MANE Select); coding-DNA positions 14859 to 14861, 3 bases deleted (CTC; older notation c.14859_14861delCTC).
Protein change: p.Ser4955del; deletes serine 4955.
Molecular consequence: inframe deletion. On other transcripts: inframe indel (1).
Genome position (GRCh38, 1-based): chr12:49,027,105-49,027,107, GAG deleted on the plus strand (CTC on the coding strand, the reverse complement: KMT2D is on the minus strand); deleting any 3 consecutive bases within chr12:49,027,105-49,027,108 gives the same sequence; the c. name uses the placement nearest the transcript's 3' end. VCF-style (leftmost placement, unchanged base first): chr12-49027104-TGAG-T. GRCh37 (hg19) VCF-style: chr12-49420887-TGAG-T.
Other names: c.14858_14860delCCT, p.Ser4955del (NM_003482.3); short protein forms S4955del.
Identifiers: ClinVar variation 4282215 (VCV004282215.1).

ClinVar aggregate classification (germline): Uncertain significance (1 of 4 stars; one submission).

Submission:

GeneDx
Classification: Uncertain significance. Last evaluated: 2025-04-15. Review status: criteria provided, single submitter. Criteria: GeneDx Variant Classification Process June 2021. Collection method: clinical testing. Allele origin: germline. Affected: yes.
Comment: Not observed at significant frequency in large population cohorts (gnomAD); In-frame deletion of 1 amino acid(s) in a non-repeat region; In silico analysis supports a deleterious effect on protein structure/function; Has not been previously published as pathogenic or benign to our knowledge